The following is an entry in ClinVar:

NM_003742.4(ABCB11):c.2075+3A>G

Gene: ABCB11 (ATP binding cassette subfamily B member 11; minus strand). Cytogenetic location: 2q31.1.
Variant type: single nucleotide variant.
Coding change: c.2075+3A>G on transcript NM_003742.4 (MANE Select); 3 bases into the intron after coding-DNA position 2075, A replaced by G.
Molecular consequence: intron variant.
Genome position (GRCh38, 1-based): chr2:168,968,424, T>C on the plus strand (A>G on the coding strand, the complement: ABCB11 is on the minus strand). VCF-style: chr2-168968424-T-C. GRCh37 (hg19) VCF-style: chr2-169824934-T-C.
Identifiers: ClinVar variation 1706604 (VCV001706604.2), dbSNP rs2545376269, ClinGen allele CA2531440804.

ClinVar aggregate classification (germline): Uncertain significance. Review status: criteria provided, single submitter (1 of 4 stars). 2 submissions from 2 submitters: Uncertain significance (1). 1 of the submissions does not count toward it. Last evaluated 2026-04-14.

Conditions:
Progressive familial intrahepatic cholestasis type 2. Identifiers: Orphanet 79304, MedGen C3489789, MONDO:0011156, OMIM 601847.
Familial intrahepatic cholestasis. Identifiers: Orphanet 284385, MedGen CN296401, MONDO:0017290.

Submissions (2):

Genomenon, Inc
Classification: Uncertain significance for Familial intrahepatic cholestasis. Last evaluated: 2026-04-14. Review status: criteria provided, single submitter. Criteria: Genomenon Sequence Variant Interpretation Standards - Updated. Collection method: curation. Allele origin: germline. Affected: yes.
Comment: ABCB11 c.2075+3A>G is an intronic variant located in the donor splice region of intron 17. This variant has been observed in at least one proband with an ABCB11-related disorder (PMID:30899697). The variant was found to segregate with disease in at least one affected family (PMID:30899697). Splicing studies have been reported (PMID:30899697). It is absent or not present at a significant frequency in gnomAD. In silico models predict that this variant is possibly or probably damaging. In conclusion, we classify ABCB11 c.2075+3A>G as a variant of uncertain significance.

Molecular Diagnostics Laboratory, Seoul National University Hospital
Classification: Pathogenic for Progressive familial intrahepatic cholestasis type 2. Review status: no assertion criteria provided. Collection method: clinical testing. Allele origin: unknown. Affected: yes. Not counted in ClinVar's aggregate classification.

Literature cited by the submitters: PubMed 30899697 (cited by Genomenon, Inc).